The following is an entry in ClinVar:

NM_018249.6(CDK5RAP2):c.47T>C (p.Leu16Pro)

Gene: CDK5RAP2 (CDK5 regulatory subunit associated protein 2; minus strand). Cytogenetic location: 9q33.2.
Variant type: single nucleotide variant.
Coding change: c.47T>C on transcript NM_018249.6 (MANE Select); coding-DNA position 47, T replaced by C.
Protein change: p.Leu16Pro; replaces leucine 16 with proline.
Molecular consequence: missense variant. On other transcripts: non-coding transcript variant (5).
Genome position (GRCh38, 1-based): chr9:120,579,932, A>G on the plus strand (T>C on the coding strand, the complement: CDK5RAP2 is on the minus strand). VCF-style: chr9-120579932-A-G. GRCh37 (hg19) VCF-style: chr9-123342210-A-G.
Other names: c.47T>C, p.Leu16Pro (NM_001011649.3, NM_001272039.2, NM_001410992.1 and 2 more transcripts); short protein forms L16P.
Identifiers: ClinVar variation 1925033 (VCV001925033.5), dbSNP rs1268512046, ClinGen allele CA374718660.

ClinVar aggregate classification (germline): Uncertain significance (1 of 4 stars; one submission).

gnomAD v4.1: 1 of 1,613,488 alleles (0.000062%); highest among the groups gnomAD compares: Middle Eastern, 0.016%; no homozygotes.

Submission:

Labcorp Genetics (formerly Invitae), Labcorp
Classification: Uncertain significance. Last evaluated: 2022-11-15. Review status: criteria provided, single submitter. Criteria: Invitae Variant Classification Sherloc (09022015). Collection method: clinical testing. Allele origin: germline.
Comment: In summary, the available evidence is currently insufficient to determine the role of this variant in disease. Therefore, it has been classified as a Variant of Uncertain Significance. This variant has not been reported in the literature in individuals affected with CDK5RAP2-related conditions. Algorithms developed to predict the effect of missense changes on protein structure and function are either unavailable or do not agree on the potential impact of this missense change (SIFT: "Tolerated"; PolyPhen-2: "Possibly Damaging"; Align-GVGD: "Class C0"). This sequence change replaces leucine, which is neutral and non-polar, with proline, which is neutral and non-polar, at codon 16 of the CDK5RAP2 protein (p.Leu16Pro). This variant is not present in population databases (gnomAD no frequency).